The following is an entry in ClinVar:

NM_004944.4(DNASE1L3):c.802-3T>C

Gene: DNASE1L3 (deoxyribonuclease 1L3; minus strand). Cytogenetic location: 3p14.3.
Variant type: single nucleotide variant.
Coding change: c.802-3T>C on transcript NM_004944.4 (MANE Select); 3 bases into the intron before coding-DNA position 802, T replaced by C.
Molecular consequence: intron variant.
Genome position (GRCh38, 1-based): chr3:58,192,806, A>G on the plus strand (T>C on the coding strand, the complement: DNASE1L3 is on the minus strand). VCF-style: chr3-58192806-A-G. GRCh37 (hg19) VCF-style: chr3-58178533-A-G.
Other names: c.712-3T>C (NM_001256560.2).
Identifiers: ClinVar variation 1438673 (VCV001438673.5), dbSNP rs750128475, ClinGen allele CA2469824.

ClinVar aggregate classification (germline): Uncertain significance (1 of 4 stars; one submission).

Allele frequency attached by ClinVar (database versions not stated): gnomAD 0.00001; gnomAD exomes 0.00001; TOPMed 0.00001; ExAC 0.00002.
gnomAD v4.1: 14 of 1,611,812 alleles (0.00087%); highest among the groups gnomAD compares: Admixed American, 0.0067%; no homozygotes.

Submission:

Labcorp Genetics (formerly Invitae), Labcorp
Classification: Uncertain significance. Last evaluated: 2022-08-16. Review status: criteria provided, single submitter. Criteria: Invitae Variant Classification Sherloc (09022015). Collection method: clinical testing. Allele origin: germline.
Comment: In summary, the available evidence is currently insufficient to determine the role of this variant in disease. Therefore, it has been classified as a Variant of Uncertain Significance. Variants that disrupt the consensus splice site are a relatively common cause of aberrant splicing (PMID: 17576681, 9536098). Algorithms developed to predict the effect of sequence changes on RNA splicing suggest that this variant is not likely to affect RNA splicing. ClinVar contains an entry for this variant (Variation ID: 1438673). This variant has not been reported in the literature in individuals affected with DNASE1L3-related conditions. This variant is present in population databases (rs750128475, gnomAD 0.006%). This sequence change falls in intron 7 of the DNASE1L3 gene. It does not directly change the encoded amino acid sequence of the DNASE1L3 protein. It affects a nucleotide within the consensus splice site.

Literature cited by the submitters: PubMed 17576681; PubMed 9536098.